The following is an entry in ClinVar:

NM_003355.3(UCP2):c.445C>T (p.Arg149Trp)

Gene: UCP2 (uncoupling protein 2; minus strand). Cytogenetic location: 11q13.4.
Variant type: single nucleotide variant.
Coding change: c.445C>T on transcript NM_003355.3 (MANE Select); coding-DNA position 445, C replaced by T.
Protein change: p.Arg149Trp; replaces arginine 149 with tryptophan.
Molecular consequence: missense variant. On other transcripts: intron variant (1).
Genome position (GRCh38, 1-based): chr11:73,976,910, G>A on the plus strand (C>T on the coding strand, the complement: UCP2 is on the minus strand). VCF-style: chr11-73976910-G-A. GRCh37 (hg19) VCF-style: chr11-73687955-G-A.
Other names: c.445C>T, p.Arg149Trp (NM_001381943.1, NM_001381944.1, NM_001381945.1 and 3 more transcripts); c.338-168C>T (NM_001381950.1); short protein forms R149W.
Identifiers: ClinVar variation 4752815 (VCV004752815.1).
Genomic context (GRCh38, chr11:73,976,910, plus strand): 5'-CTCGGGCAATGGTCTTGTAGGCATTGACGGTGCTTTGGTATCTCCGACCACCTCCAGCCC[G>A]GGCCTGAGCTTGGAATCGGACCTTTACCACATCCGTGGGCTGGGCCACAGCCACAGCCAG-3'
Protein context (NP_003346.2, residues 139-159): VVKVRFQAQA[Arg149Trp]AGGGRRYQST

ClinVar aggregate classification (germline): Uncertain significance (1 of 4 stars; one submission).

gnomAD v4.1: 39 of 1,613,878 alleles (0.0024%); highest among the groups gnomAD compares: African/African-American, 0.0027%; no homozygotes.

Submission:

Labcorp Genetics (formerly Invitae), Labcorp
Classification: Uncertain significance. Last evaluated: 2026-02-02. Review status: criteria provided, single submitter. Criteria: Invitae Variant Classification Sherloc (09022015). Collection method: clinical testing. Allele origin: germline.
Comment: This sequence change replaces arginine, which is basic and polar, with tryptophan, which is neutral and slightly polar, at codon 149 of the UCP2 protein (p.Arg149Trp). This variant is present in population databases (rs751673239, gnomAD 0.006%). This variant has not been reported in the literature in individuals affected with UCP2-related conditions. An algorithm developed to predict the effect of missense changes on protein structure and function (PolyPhen-2) suggests that this variant is likely to be disruptive. In summary, the available evidence is currently insufficient to determine the role of this variant in disease. Therefore, it has been classified as a Variant of Uncertain Significance.